The following is an entry in ClinVar:

NM_002778.4(PSAP):c.789G>T (p.Glu263Asp)

Gene: PSAP (prosaposin; minus strand). Cytogenetic location: 10q22.1.
Variant type: single nucleotide variant.
Coding change: c.789G>T on transcript NM_002778.4 (MANE Select); coding-DNA position 789, G replaced by T.
Protein change: p.Glu263Asp; replaces glutamic acid 263 with aspartic acid.
Molecular consequence: missense variant.
Genome position (GRCh38, 1-based): chr10:71,821,996, C>A on the plus strand (G>T on the coding strand, the complement: PSAP is on the minus strand). VCF-style: chr10-71821996-C-A. GRCh37 (hg19) VCF-style: chr10-73581753-C-A.
Other names: c.798G>T, p.Glu266Asp (NM_001042465.3); c.795G>T, p.Glu265Asp (NM_001042466.3); short protein forms E263D, E265D, E266D.
Identifiers: ClinVar variation 2172206 (VCV002172206.1), dbSNP rs762026767, ClinGen allele CA377148169.

ClinVar aggregate classification (germline): Uncertain significance (1 of 4 stars; one submission).

Conditions:
Sphingolipid activator protein 1 deficiency. Also called: METACHROMATIC LEUKODYSTROPHY DUE TO CEREBROSIDE SULFATASE ACTIVATOR DEFICIENCY; Saposin B Deficiency; Metachromatic leukodystrophy due to saposin B deficiency. Identifiers: Orphanet 512, MedGen C0268262, MONDO:0009590, OMIM 249900.

gnomAD v4.1: 3 of 1,614,176 alleles (0.00019%); highest among the groups gnomAD compares: Non-Finnish European, 0.00025%; no homozygotes.

Submission:

Labcorp Genetics (formerly Invitae), Labcorp
Classification: Uncertain significance for Sphingolipid activator protein 1 deficiency. Last evaluated: 2022-07-06. Review status: criteria provided, single submitter. Criteria: Invitae Variant Classification Sherloc (09022015). Collection method: clinical testing. Allele origin: germline.
Comment: This sequence change replaces glutamic acid, which is acidic and polar, with aspartic acid, which is acidic and polar, at codon 263 of the PSAP protein (p.Glu263Asp). This variant is not present in population databases (gnomAD no frequency). This variant has not been reported in the literature in individuals affected with PSAP-related conditions. Algorithms developed to predict the effect of missense changes on protein structure and function output the following: SIFT: "Not Available"; PolyPhen-2: "Benign"; Align-GVGD: "Not Available". The aspartic acid amino acid residue is found in multiple mammalian species, which suggests that this missense change does not adversely affect protein function. In summary, the available evidence is currently insufficient to determine the role of this variant in disease. Therefore, it has been classified as a Variant of Uncertain Significance.